The following is an entry in ClinVar:

NM_001103.4(ACTN2):c.700A>C (p.Ile234Leu)

Gene: ACTN2 (actinin alpha 2; plus strand). Cytogenetic location: 1q43.
Variant type: single nucleotide variant.
Coding change: c.700A>C on transcript NM_001103.4 (MANE Select); coding-DNA position 700, A replaced by C.
Protein change: p.Ile234Leu; replaces isoleucine 234 with leucine.
Molecular consequence: missense variant. On other transcripts: 5 prime UTR variant (1), intron variant (1).
Genome position (GRCh38, 1-based): chr1:236,735,637, A>C. VCF-style: chr1-236735637-A-C. GRCh37 (hg19) VCF-style: chr1-236898937-A-C.
Other names: p.I234L:ATC>CTC; c.-36A>C (NM_001278344.2); c.783+1119A>C (NM_001278343.2); short protein forms I234L.
Identifiers: ClinVar variation 201631 (VCV000201631.3), dbSNP rs794728963, ClinGen allele CA335013.

ClinVar aggregate classification (germline): Uncertain significance. Review status: criteria provided, multiple submitters, no conflicts (2 of 4 stars). 2 submissions from 2 submitters: Uncertain significance (2). Last evaluated 2023-12-03.

Conditions:
Cardiovascular phenotype. Identifiers: MedGen CN230736.

Allele frequency attached by ClinVar (database versions not stated): gnomAD exomes below 0.00001; TOPMed below 0.00001.
gnomAD v4.1: 1 of 1,613,960 alleles (0.000062%); highest among the groups gnomAD compares: African/African-American, 0.0013%; no homozygotes.

Submissions (2):

Ambry Genetics
Classification: Uncertain significance for Cardiovascular phenotype. Last evaluated: 2023-12-03. Review status: criteria provided, single submitter. Criteria: Ambry Variant Classification Scheme 2023. Collection method: clinical testing. Allele origin: germline.
Comment: The p.I234L variant (also known as c.700A>C), located in coding exon 8 of the ACTN2 gene, results from an A to C substitution at nucleotide position 700. The isoleucine at codon 234 is replaced by leucine, an amino acid with highly similar properties. This amino acid position is conserved. In addition, the in silico prediction for this alteration is inconclusive. Since supporting evidence is limited at this time, the clinical significance of this alteration remains unclear.

GeneDx
Classification: Uncertain significance. Last evaluated: 2014-08-06. Review status: criteria provided, single submitter. Criteria: GeneDx Variant Classification (06012015). Collection method: clinical testing. Allele origin: germline. Affected: yes.
Comment: A variant of unknown significance has been identified in the ACTN2 gene. The I234L variant has not been published as a mutation, nor has it been reported as a benign polymorphism to our knowledge. The I234L variant was not observed in approximately 6,500 individuals of European and African American ancestry in the NHLBI Exome Sequencing Project, indicating it is not a common benign variant in these populations. Additionally, this substitution occurs at a position that is conserved across species and in silico analysis predicts this variant is probably damaging to the protein structure/function. However, the I234L variant is a conservative amino acid substitution, which is not likely to impact secondary protein structure as these residues share similar properties. Furthermore, missense mutations in nearby residues have not been published, indicating this region of the protein may be tolerant of change. Therefore, based on the currently available information, it is unclear whether this variant is a pathogenic mutation or a rare benign variant. The variant is found in CARDIOMYOPATHY panel(s).